The following is an entry in ClinVar:

ClinVar aggregate classification (germline): Pathogenic (1 of 4 stars; one submission).

Submission:

GeneDx
Classification: Pathogenic. Last evaluated: 2021-11-12. Review status: criteria provided, single submitter. Criteria: GeneDx Variant Classification Process June 2021. Collection method: clinical testing. Allele origin: germline. Affected: yes.
Comment: Not observed at significant frequency in large population cohorts (Lek et al., 2016); In silico analysis supports that this missense variant has a deleterious effect on protein structure/function; Has not been previously published as pathogenic or benign to our knowledge

NM_002074.5(GNB1):c.163C>G (p.Leu55Val)

Gene: GNB1 (G protein subunit beta 1; minus strand). Cytogenetic location: 1p36.33.
Variant type: single nucleotide variant.
Coding change: c.163C>G on transcript NM_002074.5 (MANE Select); coding-DNA position 163, C replaced by G.
Protein change: p.Leu55Val; replaces leucine 55 with valine.
Molecular consequence: missense variant. On other transcripts: intron variant (1).
Genome position (GRCh38, 1-based): chr1:1,815,796, G>C on the plus strand (C>G on the coding strand, the complement: GNB1 is on the minus strand). VCF-style: chr1-1815796-G-C. GRCh37 (hg19) VCF-style: chr1-1747235-G-C.
Other names: c.163C>G, p.Leu55Val (NM_001282539.2); c.-97-9258C>G (NM_001282538.2); short protein forms L55V.
Identifiers: ClinVar variation 1321652 (VCV001321652.2), dbSNP rs2100858599, ClinGen allele CA337919566.
Genomic context (GRCh38, chr1:1,815,796, plus strand): 5'-CTGCTCATGCCCACGCCTACCTGGAGTCTGTGCCCCAGTGCATGGCGTAGATCTTGGCCA[G>C]GTGCCCCCGCAGTGTCCTCCTCGTGCGCATTTGGATTCTTCCCACTGGGTCGATGTTGTT-3'
Protein context (NP_002065.1, residues 45-65): MRTRRTLRGH[Leu55Val]AKIYAMHWGT